The following is an entry in ClinVar:

NM_001164508.2(NEB):c.2200C>G (p.Gln734Glu)

Gene: NEB (nebulin; minus strand). Cytogenetic location: 2q23.3.
Variant type: single nucleotide variant.
Coding change: c.2200C>G on transcript NM_001164508.2 (MANE Select); coding-DNA position 2200, C replaced by G.
Protein change: p.Gln734Glu; replaces glutamine 734 with glutamic acid.
Molecular consequence: missense variant.
Genome position (GRCh38, 1-based): chr2:151,691,875, G>C on the plus strand (C>G on the coding strand, the complement: NEB is on the minus strand). VCF-style: chr2-151691875-G-C. GRCh37 (hg19) VCF-style: chr2-152548389-G-C.
Other names: c.2200C>G, p.Gln734Glu (NM_001164507.2, NM_001271208.2, NM_004543.5); short protein forms Q734E.
Identifiers: ClinVar variation 373373 (VCV000373373.9), dbSNP rs780299519, ClinGen allele CA1911304.

ClinVar aggregate classification (germline): Conflicting classifications of pathogenicity. Review status: criteria provided, conflicting classifications (1 of 4 stars). 5 submissions from 5 submitters: Uncertain significance (3); Likely benign (1). 1 of the submissions does not count toward it. Last evaluated 2024-01-07.

Conditions:
Nemaline myopathy 2 (NEM2). Also called: Nemaline myopathy 2, autosomal recessive. Identifiers: MedGen C1850569, MONDO:0009725, OMIM 256030.

Allele frequency attached by ClinVar (database versions not stated): TOPMed below 0.00001; gnomAD 0.00001; gnomAD exomes 0.00002; ExAC 0.00004.
gnomAD v4.1: 14 of 1,594,198 alleles (0.00088%); highest among the groups gnomAD compares: Middle Eastern, 0.033%; no homozygotes.

Submissions (5):

Labcorp Genetics (formerly Invitae), Labcorp
Classification: Likely benign for Nemaline myopathy 2. Last evaluated: 2024-01-07. Review status: criteria provided, single submitter. Criteria: Invitae Variant Classification Sherloc (09022015). Collection method: clinical testing. Allele origin: germline.

Revvity Omics, Revvity
Classification: Uncertain significance. Last evaluated: 2021-08-13. Review status: criteria provided, single submitter. Criteria: ACMG Guidelines, 2015. Collection method: clinical testing. Allele origin: germline.

Kariminejad - Najmabadi Pathology & Genetics Center
Classification: Uncertain significance for Nemaline myopathy 2. Last evaluated: 2020-02-24. Review status: criteria provided, single submitter. Criteria: ACMG Guidelines, 2015. Collection method: clinical testing. Allele origin: germline. Inheritance: Autosomal recessive inheritance. Affected: yes.
Comment: PM2, PM3, BP1

GeneDx
Classification: Uncertain significance. Last evaluated: 2016-12-05. Review status: criteria provided, single submitter. Criteria: GeneDx Variant Classification (06012015). Collection method: clinical testing. Allele origin: germline. Affected: yes.
Comment: The Q734E variant in the NEB gene has not been reported previously as a pathogenic variant, nor as a benign variant, to our knowledge. This variant was not observed in approximately 6000 individuals of European and African American ancestry in the NHLBI Exome Sequencing Project, indicating it is not a common benign variant in these populations. The Q734E variant is a semi-conservative amino acid substitution, which may impact secondary protein structure as these residues differ in some properties. This substitution occurs at a position that is conserved in mammals. In silico analysis is inconsistent in its predictions as to whether or not the variant is damaging to the protein structure/function. We interpret Q734E as a variant of uncertain significance.

Natera, Inc.
Classification: Uncertain significance for Nemaline myopathy type 2. Last evaluated: 2019-11-11. Review status: no assertion criteria provided. Collection method: clinical testing. Allele origin: germline. Not counted in ClinVar's aggregate classification.